The following is an entry in ClinVar:

NM_004606.5(TAF1):c.3599C>G (p.Thr1200Ser)

Gene: TAF1 (TATA-box binding protein associated factor 1; plus strand). Cytogenetic location: Xq13.1.
Variant type: single nucleotide variant.
Coding change: c.3599C>G on transcript NM_004606.5 (MANE Select); coding-DNA position 3599, C replaced by G.
Protein change: p.Thr1200Ser; replaces threonine 1200 with serine.
Molecular consequence: missense variant. On other transcripts: non-coding transcript variant (9).
Genome position (GRCh38, 1-based): chrX:71,397,445, C>G. VCF-style: chrX-71397445-C-G. GRCh37 (hg19) VCF-style: chrX-70617295-C-G.
Other names: c.3599C>G, p.Thr1200Ser (NM_001286074.2, NM_001440852.1, NM_001440853.1); c.3536C>G, p.Thr1179Ser (NM_001440854.1, NM_138923.4); short protein forms T1179S, T1200S.
Identifiers: ClinVar variation 4755852 (VCV004755852.1).
Genomic context (GRCh38, chrX:71,397,445, plus strand): 5'-ATGTTCGCTGTGAGACAGTCCGAAAACCAGCTGTCATTGATGCCTATGTGCGCATACGGA[C>G]TACAAAAGATGAGGAATTCATGTGAGTTTGATTTACCACTTCCTTTTTTTTCTTTGAGGA-3'
Protein context (NP_004597.3, residues 1190-1210): AVIDAYVRIR[Thr1200Ser]TKDEEFIRKF

ClinVar aggregate classification (germline): Uncertain significance (1 of 4 stars; one submission).

Submission:

GeneDx
Classification: Uncertain significance. Last evaluated: 2025-08-04. Review status: criteria provided, single submitter. Criteria: GeneDx Variant Classification Process June 2021. Collection method: clinical testing. Allele origin: germline. Affected: yes.
Comment: Not observed at significant frequency in large population cohorts (gnomAD); In silico analysis suggests that this missense variant does not alter protein structure/function; Has not been previously published as pathogenic or benign to our knowledge